The following is an entry in ClinVar:

NM_001846.4(COL4A2):c.10G>A (p.Asp4Asn)

Gene: COL4A2 (collagen type IV alpha 2 chain; plus strand). Cytogenetic location: 13q34.
Variant type: single nucleotide variant.
Coding change: c.10G>A on transcript NM_001846.4 (MANE Select); coding-DNA position 10, G replaced by A.
Protein change: p.Asp4Asn; replaces aspartic acid 4 with asparagine.
Molecular consequence: missense variant.
Genome position (GRCh38, 1-based): chr13:110,307,913, G>A. VCF-style: chr13-110307913-G-A. GRCh37 (hg19) VCF-style: chr13-110960260-G-A.
Other names: c.10G>A (NM_001846.3); short protein forms D4N.
Identifiers: ClinVar variation 3373381 (VCV003373381.3).

ClinVar aggregate classification (germline): Uncertain significance. Review status: criteria provided, multiple submitters, no conflicts (2 of 4 stars). 3 submissions from 3 submitters: Uncertain significance (3). Last evaluated 2025-07-04.

Conditions:
COL4A2-related disorder. Also called: COL4A2-related disorders; COL4A2-related condition.

gnomAD v4.1: 8 of 1,612,674 alleles (0.0005%); highest among the groups gnomAD compares: Non-Finnish European, 0.00068%; no homozygotes.

Submissions (3):

PreventionGenetics, part of Exact Sciences
Classification: Uncertain significance for COL4A2-related condition. Last evaluated: 2025-07-04. Review status: criteria provided, single submitter. Criteria: ACMG Guidelines, 2015. Collection method: clinical testing. Allele origin: germline.
Comment: The COL4A2 c.10G>A variant is predicted to result in the amino acid substitution p.Asp4Asn. To our knowledge, this variant has not been reported in the literature. This variant is reported in 0.0018% of alleles in individuals of European (Non-Finnish) descent in gnomAD. At this time, the clinical significance of this variant is uncertain due to the absence of conclusive functional and genetic evidence.

Women's Health and Genetics/Laboratory Corporation of America, LabCorp
Classification: Uncertain significance. Last evaluated: 2025-06-10. Review status: criteria provided, single submitter. Criteria: LabCorp Variant Classification Summary - May 2015. Collection method: clinical testing. Allele origin: germline.
Comment: Variant summary: COL4A2 c.10G>A (p.Asp4Asn) results in a conservative amino acid change in the encoded protein sequence. Algorithms developed to predict the effect of missense changes on protein structure and function all suggest that this variant is likely to be tolerated. The variant allele was found at a frequency of 8.1e-06 in 246654 control chromosomes. The available data on variant occurrences in the general population are insufficient to allow any conclusion about variant significance. To our knowledge, no occurrence of c.10G>A in individuals affected with Porencephaly 2 and no experimental evidence demonstrating its impact on protein function have been reported. ClinVar contains an entry for this variant (Variation ID: 3373381). Based on the evidence outlined above, the variant was classified as uncertain significance.

GeneDx
Classification: Uncertain significance. Last evaluated: 2024-05-02. Review status: criteria provided, single submitter. Criteria: GeneDx Variant Classification Process June 2021. Collection method: clinical testing. Allele origin: germline. Affected: yes.
Comment: Not observed at significant frequency in large population cohorts (gnomAD); In silico analysis indicates that this missense variant does not alter protein structure/function; Has not been previously published as pathogenic or benign to our knowledge